The following is an entry in ClinVar:

ClinVar aggregate classification (germline): Likely pathogenic (1 of 4 stars; one submission).

Submission:

Labcorp Genetics (formerly Invitae), Labcorp
Classification: Likely pathogenic. Last evaluated: 2023-08-31. Review status: criteria provided, single submitter. Criteria: Invitae Variant Classification Sherloc (09022015). Collection method: clinical testing. Allele origin: germline.
Comment: This sequence change affects an acceptor splice site in intron 10 of the MYO7A gene. It is expected to disrupt RNA splicing. Variants that disrupt the donor or acceptor splice site typically lead to a loss of protein function (PMID: 16199547), and loss-of-function variants in MYO7A are known to be pathogenic (PMID: 8900236, 25404053). This variant is not present in population databases (gnomAD no frequency). This variant has not been reported in the literature in individuals affected with MYO7A-related conditions. Algorithms developed to predict the effect of sequence changes on RNA splicing suggest that this variant may disrupt the consensus splice site. In summary, the currently available evidence indicates that the variant is pathogenic, but additional data are needed to prove that conclusively. Therefore, this variant has been classified as Likely Pathogenic.

Literature cited by the submitters: PubMed 16199547; PubMed 8900236; PubMed 25404053.

NM_000260.4(MYO7A):c.1081-1G>C

Gene: MYO7A (myosin VIIA; plus strand). Cytogenetic location: 11q13.5.
Variant type: single nucleotide variant.
Coding change: c.1081-1G>C on transcript NM_000260.4 (MANE Select); the canonical splice acceptor site of the intron before coding-DNA position 1081, G replaced by C.
Molecular consequence: splice acceptor variant.
Genome position (GRCh38, 1-based): chr11:77,160,162, G>C. VCF-style: chr11-77160162-G-C. GRCh37 (hg19) VCF-style: chr11-76871208-G-C.
Other names: c.1048-1G>C (NM_001369365.1); c.1081-1G>C (NM_001127180.2).
Identifiers: ClinVar variation 2850375 (VCV002850375.3), dbSNP rs2496824575, ClinGen allele CA381934188.